The following is an entry in ClinVar:

ClinVar aggregate classification (germline): Uncertain significance (1 of 4 stars; one submission).

Conditions:
Episodic ataxia type 1 (EA1). Also called: MYOKYMIA WITH PERIODIC ATAXIA; PAROXYSMAL ATAXIA WITH NEUROMYOTONIA, HEREDITARY; ATAXIA, EPISODIC, WITH MYOKYMIA; Episodic ataxia/myokymia syndrome. Identifiers: Orphanet 37612, Orphanet 972, MedGen C1719788, MONDO:0008047, OMIM 160120.

Allele frequency attached by ClinVar (database versions not stated): gnomAD exomes below 0.00001.

Submission:

Labcorp Genetics (formerly Invitae), Labcorp
Classification: Uncertain significance for Episodic ataxia type 1. Last evaluated: 2021-07-02. Review status: criteria provided, single submitter. Criteria: Invitae Variant Classification Sherloc (09022015). Collection method: clinical testing. Allele origin: germline.
Comment: In summary, the available evidence is currently insufficient to determine the role of this variant in disease. Therefore, it has been classified as a Variant of Uncertain Significance. Algorithms developed to predict the effect of sequence changes on RNA splicing suggest that this variant may create or strengthen a splice site, but this prediction has not been confirmed by published transcriptional studies. Advanced modeling of protein sequence and biophysical properties (such as structural, functional, and spatial information, amino acid conservation, physicochemical variation, residue mobility, and thermodynamic stability) performed at Invitae indicates that this missense variant is not expected to disrupt KCNA1 protein function. This variant has not been reported in the literature in individuals with KCNA1-related conditions. This variant is not present in population databases (ExAC no frequency). This sequence change replaces proline with arginine at codon 433 of the KCNA1 protein (p.Pro433Arg). The proline residue is highly conserved and there is a moderate physicochemical difference between proline and arginine.

NM_000217.3(KCNA1):c.1298C>G (p.Pro433Arg)

Gene: KCNA1 (potassium voltage-gated channel subfamily A member 1; plus strand). Cytogenetic location: 12p13.32.
Variant type: single nucleotide variant.
Coding change: c.1298C>G on transcript NM_000217.3 (MANE Select); coding-DNA position 1298, C replaced by G.
Protein change: p.Pro433Arg; replaces proline 433 with arginine.
Molecular consequence: missense variant.
Genome position (GRCh38, 1-based): chr12:4,912,676, C>G. VCF-style: chr12-4912676-C-G. GRCh37 (hg19) VCF-style: chr12-5021842-C-G.
Other names: short protein forms P433R.
Identifiers: ClinVar variation 1418199 (VCV001418199.8), dbSNP rs1392938918, ClinGen allele CA383456470.